The following is an entry in ClinVar:

NM_139276.3(STAT3):c.1109+13A>G

Gene: STAT3 (signal transducer and activator of transcription 3; minus strand). Cytogenetic location: 17q21.2.
Variant type: single nucleotide variant.
Coding change: c.1109+13A>G on transcript NM_139276.3 (MANE Select); 13 bases into the intron after coding-DNA position 1109, A replaced by G.
Molecular consequence: intron variant.
Genome position (GRCh38, 1-based): chr17:42,331,459, T>C on the plus strand (A>G on the coding strand, the complement: STAT3 is on the minus strand). VCF-style: chr17-42331459-T-C. GRCh37 (hg19) VCF-style: chr17-40483477-T-C.
Other names: c.1109+13A>G (NM_001369519.1, NM_003150.4, NM_001369517.1 and 7 more transcripts).
Identifiers: ClinVar variation 891204 (VCV000891204.12), dbSNP rs201856889, ClinGen allele CA8575469.

ClinVar aggregate classification (germline): Likely benign. Review status: criteria provided, multiple submitters, no conflicts (2 of 4 stars). 3 submissions from 3 submitters: Likely benign (3). Last evaluated 2025-11-12.

Conditions:
Hyper-IgE recurrent infection syndrome 1, autosomal dominant. Also called: Job's Syndrome; STAT3 Hyper IgE Syndrome; HYPER-IgE SYNDROME 1, AUTOSOMAL DOMINANT, WITH RECURRENT INFECTIONS; JOB SYNDROME; Hyper-IgE recurrent infection syndrome 1. Identifiers: Orphanet 2314, MedGen C2936739, MONDO:0007818, OMIM 147060.
STAT3 gain of function. Identifiers: MedGen C4288261.

Allele frequency attached by ClinVar (database versions not stated): ExAC 0.00007; TOPMed 0.00007; ESP Exome Variant Server 0.00008; gnomAD 0.00009; gnomAD exomes 0.00009 and 0.00010.

Submissions (3):

Labcorp Genetics (formerly Invitae), Labcorp
Classification: Likely benign for STAT3 gain of function; Hyper-IgE recurrent infection syndrome 1, autosomal dominant. Last evaluated: 2025-11-12. Review status: criteria provided, single submitter. Criteria: Invitae Variant Classification Sherloc (09022015). Collection method: clinical testing. Allele origin: germline.

Blueprint Genetics
Classification: Likely benign. Last evaluated: 2024-11-11. Review status: criteria provided, single submitter. Criteria: ACMG Guidelines, 2015. Collection method: clinical testing. Allele origin: germline.

Illumina Laboratory Services, Illumina
Classification: Likely benign for Hyper-IgE recurrent infection syndrome 1, autosomal dominant. Last evaluated: 2018-01-13. Review status: criteria provided, single submitter. Criteria: ICSL Variant Classification Criteria 13 December 2019. Collection method: clinical testing. Allele origin: germline.
Comment: This variant was observed in the ICSL laboratory as part of a predisposition screen in an ostensibly healthy population. It had not been previously curated by ICSL or reported in the Human Gene Mutation Database (HGMD: prior to June 1st, 2018), and was therefore a candidate for classification through an automated scoring system. Utilizing variant allele frequency, disease prevalence and penetrance estimates, and inheritance mode, an automated score was calculated to assess if this variant is too frequent to cause the disease. Based on the score and internal cut-off values, a variant classified as likely benign is not then subjected to further curation. The score for this variant resulted in a classification of likely benign for this disease.